The following is an entry in ClinVar:

NM_000202.8(IDS):c.785T>A (p.Val262Glu)

Genes: IDS (iduronate 2-sulfatase; minus strand), LOC106050102 (IDS recombination region; plus strand). Cytogenetic location: Xq28.
Variant type: single nucleotide variant.
Coding change: c.785T>A on transcript NM_000202.8 (MANE Select); coding-DNA position 785, T replaced by A.
Protein change: p.Val262Glu; replaces valine 262 with glutamic acid.
Molecular consequence: missense variant. On other transcripts: non-coding transcript variant (1).
Genome position (GRCh38, 1-based): chrX:149,496,440, A>T on the plus strand (T>A on the coding strand, the complement: IDS is on the minus strand). VCF-style: chrX-149496440-A-T. GRCh37 (hg19) VCF-style: chrX-148577971-A-T.
Other names: c.515T>A, p.Val172Glu (NM_001166550.4); c.785T>A, p.Val262Glu (NM_006123.5); c.785T>A (NM_000202.4); short protein forms V262E, V172E.
Identifiers: ClinVar variation 1443998 (VCV001443998.12), dbSNP rs782053689, ClinGen allele CA10537596.

ClinVar aggregate classification (germline): Uncertain significance. Review status: criteria provided, multiple submitters, no conflicts (2 of 4 stars). 4 submissions from 4 submitters: Uncertain significance (4). Last evaluated 2025-10-28.

Conditions:
Mucopolysaccharidosis, MPS-II (MPS2). Also called: IDS deficiency; Sulfoiduronate sulfatase deficiency; SIDS deficiency; Mucopolysaccharidosis with skin involvement; Mucopolysaccharidosis type 2; Attenuated MPS (subtype; formerly known as mild MPS II). Identifiers: Orphanet 580, Orphanet 79388, MedGen C0026705, MONDO:0010674, OMIM 309900.

Allele frequency attached by ClinVar (database versions not stated): ExAC 0.00001; gnomAD exomes 0.00001; TOPMed 0.00001.

Submissions (4):

Women's Health and Genetics/Laboratory Corporation of America, LabCorp
Classification: Uncertain significance. Last evaluated: 2025-10-28. Review status: criteria provided, single submitter. Criteria: LabCorp Variant Classification Summary - May 2015. Collection method: clinical testing. Allele origin: germline.
Comment: Variant summary: IDS c.785T>A (p.Val262Glu) results in a non-conservative amino acid change in the encoded protein sequence. Algorithms developed to predict the effect of missense changes on protein structure and function all suggest that this variant is likely to be disruptive. The variant allele was found at a frequency of 5.5e-06 in 183137 control chromosomes. The available data on variant occurrences in the general population are insufficient to allow any conclusion about variant significance. c.785T>A has been observed in individuals showing decreased levels of the enzyme from a newborn screening assay, but without significant glycosaminoglycan (GAG) accumulation and no evidence of clinical disease (Burton_2023, Burton_2020). These reports do not provide unequivocal conclusions about association of the variant with Mucopolysaccharidosis Type II (Hunter Syndrome). To our knowledge, no experimental evidence demonstrating an impact on protein function has been reported. The following publications have been ascertained in the context of this evaluation (PMID: 36907694, 33117908). ClinVar contains an entry for this variant (Variation ID: 1443998). Based on the evidence outlined above, the variant was classified as uncertain significance.

Labcorp Genetics (formerly Invitae), Labcorp
Classification: Uncertain significance for Mucopolysaccharidosis, MPS-II. Last evaluated: 2025-08-29. Review status: criteria provided, single submitter. Criteria: Invitae Variant Classification Sherloc (09022015). Collection method: clinical testing. Allele origin: germline.
Comment: This sequence change replaces valine, which is neutral and non-polar, with glutamic acid, which is acidic and polar, at codon 262 of the IDS protein (p.Val262Glu). This variant is present in population databases (rs782053689, gnomAD 0.001%). This missense change has been observed in individual(s) with clinical features of IDS-related conditions (PMID: 36907694). ClinVar contains an entry for this variant (Variation ID: 1443998). Invitae Evidence Modeling of protein sequence and biophysical properties (such as structural, functional, and spatial information, amino acid conservation, physicochemical variation, residue mobility, and thermodynamic stability) has been performed for this missense variant. However, the output from this modeling did not meet the statistical confidence thresholds required to predict the impact of this variant on IDS protein function. In summary, the available evidence is currently insufficient to determine the role of this variant in disease. Therefore, it has been classified as a Variant of Uncertain Significance.

GeneDx
Classification: Uncertain significance. Last evaluated: 2024-10-23. Review status: criteria provided, single submitter. Criteria: GeneDx Variant Classification Process June 2021. Collection method: clinical testing. Allele origin: germline. Affected: yes.
Comment: Identified in multiple individuals referred for genetic testing at GeneDx and in published literature with low iduronate 2-sulfatase on newborn screening, but normal follow-up glycosaminoglycans testing (PMID: 33117908); In silico analysis supports that this missense variant has a deleterious effect on protein structure/function; This variant is associated with the following publications: (PMID: 33117908)

Revvity Omics, Revvity
Classification: Uncertain significance for Mucopolysaccharidosis, MPS-II. Last evaluated: 2024-06-20. Review status: criteria provided, single submitter. Criteria: ACMG Guidelines, 2015. Collection method: clinical testing. Allele origin: germline.

Literature cited by the submitters: PubMed 36907694 (cited by Women's Health and Genetics/Laboratory Corporation of America, LabCorp and Labcorp Genetics (formerly Invitae), Labcorp); PubMed 33117908 (cited by Women's Health and Genetics/Laboratory Corporation of America, LabCorp).